The following is an entry in ClinVar:

ClinVar aggregate classification (germline): Conflicting classifications of pathogenicity. Review status: criteria provided, conflicting classifications (1 of 4 stars). 5 submissions from 5 submitters: Uncertain significance (1); Benign (1); Likely benign (3). Last evaluated 2025-10-02.

Conditions:
Autosomal recessive ataxia due to ubiquinone deficiency. Also called: Coenzyme Q10 deficiency, primary, 4; SPINOCEREBELLAR ATAXIA, AUTOSOMAL RECESSIVE 9. Identifiers: Orphanet 139485, MedGen C2677589, MONDO:0012784, OMIM 612016.

Allele frequency attached by ClinVar (database versions not stated): ExAC 0.00018; ESP Exome Variant Server 0.00031; TOPMed 0.00012; gnomAD 0.00013 and 0.00014; gnomAD exomes 0.00016 and 0.00017.
gnomAD v4.1: 243 of 1,614,004 alleles (0.015%); highest among the groups gnomAD compares: Non-Finnish European, 0.02%; 1 homozygote.

Submissions (5):

Labcorp Genetics (formerly Invitae), Labcorp
Classification: Likely benign. Last evaluated: 2025-10-02. Review status: criteria provided, single submitter. Criteria: Invitae Variant Classification Sherloc (09022015). Collection method: clinical testing. Allele origin: germline.

CeGaT Center for Human Genetics Tuebingen
Classification: Likely benign. Last evaluated: 2024-11-01. Review status: criteria provided, single submitter. Criteria: CeGaT Center For Human Genetics Tuebingen Variant Classification Criteria Version 2. Collection method: clinical testing. Allele origin: germline. Affected: yes. Observed: 3 variant alleles.
Comment: COQ8A: BP4

Athena Diagnostics
Classification: Likely benign. Last evaluated: 2024-09-05. Review status: criteria provided, single submitter. Criteria: Athena Diagnostics Criteria. Collection method: clinical testing. Allele origin: unknown.

Illumina Laboratory Services, Illumina
Classification: Uncertain significance for Autosomal recessive ataxia due to ubiquinone deficiency. Last evaluated: 2018-01-13. Review status: criteria provided, single submitter. Criteria: ICSL Variant Classification Criteria 13 December 2019. Collection method: clinical testing. Allele origin: germline.

GeneDx
Classification: Benign. Last evaluated: 2015-07-27. Review status: criteria provided, single submitter. Criteria: GeneDx Variant Classification (06012015). Collection method: clinical testing. Allele origin: germline. Affected: yes.
Comment: This variant is considered likely benign or benign based on one or more of the following criteria: it is a conservative change, it occurs at a poorly conserved position in the protein, it is predicted to be benign by multiple in silico algorithms, and/or has population frequency not consistent with disease.

Literature cited by the submitters: PubMed 29255295 (cited by Athena Diagnostics).

NM_020247.5(COQ8A):c.1572+7G>A

Gene: COQ8A (coenzyme Q8A; plus strand). Cytogenetic location: 1q42.13.
Variant type: single nucleotide variant.
Coding change: c.1572+7G>A on transcript NM_020247.5 (MANE Select); 7 bases into the intron after coding-DNA position 1572, G replaced by A.
Molecular consequence: intron variant.
Genome position (GRCh38, 1-based): chr1:226,984,948, G>A. VCF-style: chr1-226984948-G-A. GRCh37 (hg19) VCF-style: chr1-227172649-G-A.
Identifiers: ClinVar variation 377445 (VCV000377445.37), dbSNP rs371874740, ClinGen allele CA1425547.
Genomic context (GRCh38, chr1:226,984,948, plus strand): 5'-GATTTTGGGGCAACGCGGGAATATGACAGATCCTTCACCGACCTCTACATTCAGGTAACT[G>A]GAGAGGGGCCCTGGCCTTGGTCCATGTTTTTCTGAGGCTGGGACAGGATGCTGGGGGACT-3'